The following is an entry in ClinVar:

NM_003001.5(SDHC):c.424G>C (p.Gly142Arg)

Gene: SDHC (succinate dehydrogenase complex subunit C; plus strand). Cytogenetic location: 1q23.3.
Variant type: single nucleotide variant.
Coding change: c.424G>C on transcript NM_003001.5 (MANE Select); coding-DNA position 424, G replaced by C.
Protein change: p.Gly142Arg; replaces glycine 142 with arginine.
Molecular consequence: missense variant. On other transcripts: non-coding transcript variant (1).
Genome position (GRCh38, 1-based): chr1:161,362,347, G>C. VCF-style: chr1-161362347-G-C. GRCh37 (hg19) VCF-style: chr1-161332137-G-C.
Other names: c.260G>C, p.Arg87Thr (NM_001035511.3); c.322G>C, p.Gly108Arg (NM_001035512.3); c.265G>C, p.Gly89Arg (NM_001035513.3); c.158G>C, p.Arg53Thr (NM_001278172.3); c.544G>C, p.Gly182Arg (NM_001407115.1); c.367G>C, p.Gly123Arg (NM_001407116.1); c.361G>C, p.Gly121Arg (NM_001407117.1); c.316G>C, p.Gly106Arg (NM_001407118.1); and 2 more; short protein forms G105R, G142R, G182R, R53T, R68T, G89R, R87T, G106R.
Identifiers: ClinVar variation 5029300 (VCV005029300.1).

ClinVar aggregate classification (germline): Uncertain significance (1 of 4 stars; one submission).

Conditions:
Hereditary cancer-predisposing syndrome. Also called: Neoplastic Syndromes, Hereditary; Tumor predisposition; Hereditary neoplastic syndrome; Hereditary Cancer Syndrome. Identifiers: Orphanet 140162, MedGen C0027672, MeSH D009386, MONDO:0015356.

Submission:

Ambry Genetics
Classification: Uncertain significance for Hereditary cancer-predisposing syndrome. Last evaluated: 2026-07-06. Review status: criteria provided, single submitter. Criteria: Ambry Variant Classification Scheme 2023. Collection method: clinical testing. Allele origin: germline.
Comment: The p.G142R variant (also known as c.424G>C), located in coding exon 6 of the SDHC gene, results from a G to C substitution at nucleotide position 424. The glycine at codon 142 is replaced by arginine, an amino acid with dissimilar properties. This amino acid position is conserved. In addition, this alteration is predicted to be deleterious by in silico analysis. Based on the available evidence, the clinical significance of this variant remains unclear.